The following is an entry in ClinVar:

NM_000287.4(PEX6):c.1876C>T (p.Arg626Trp)

Gene: PEX6 (peroxisomal biogenesis factor 6; minus strand). Cytogenetic location: 6p21.1.
Variant type: single nucleotide variant.
Coding change: c.1876C>T on transcript NM_000287.4 (MANE Select); coding-DNA position 1876, C replaced by T.
Protein change: p.Arg626Trp; replaces arginine 626 with tryptophan.
Molecular consequence: missense variant. On other transcripts: non-coding transcript variant (1).
Genome position (GRCh38, 1-based): chr6:42,967,376, G>A on the plus strand (C>T on the coding strand, the complement: PEX6 is on the minus strand). VCF-style: chr6-42967376-G-A. GRCh37 (hg19) VCF-style: chr6-42935114-G-A.
Other names: c.1612C>T, p.Arg538Trp (NM_001316313.2); short protein forms R626W, R538W.
Identifiers: ClinVar variation 1496142 (VCV001496142.8), dbSNP rs374278186, ClinGen allele CA3811202.

ClinVar aggregate classification (germline): Uncertain significance. Review status: criteria provided, multiple submitters, no conflicts (2 of 4 stars). 3 submissions from 3 submitters: Uncertain significance (3). Last evaluated 2025-06-07.

Conditions:
Peroxisome biogenesis disorder 4A (Zellweger) (PBD4A). Also called: Zellweger syndrome spectrum (PEX6-related). Identifiers: Orphanet 912, MedGen C3553936, MONDO:0013930, OMIM 614862. Disease mechanism: loss of function.
Peroxisome biogenesis disorder 4B (PBD4B). Also called: SPINOCEREBELLAR ATAXIA WITH BLINDNESS AND DEAFNESS 1. Identifiers: Orphanet 44, Orphanet 95433, MedGen C3553937, MONDO:0013931, OMIM 614863.
Heimler syndrome 2 (HMLR2). Also called: PEROXISOME BIOGENESIS DISORDER 4C. Identifiers: Orphanet 3220, MedGen C4225267, OMIM 616617, MONDO:0014709.
Peroxisome biogenesis disorder. Identifiers: Orphanet 79189, MedGen C1832200, MONDO:0019234. Disease mechanism: loss of function.
Inborn genetic diseases. Identifiers: MedGen C0950123, MeSH D030342.

Allele frequency attached by ClinVar (database versions not stated): gnomAD 0.00003; gnomAD exomes 0.00003 and 0.00006; TOPMed 0.00003; ExAC 0.00006; ESP Exome Variant Server 0.00008.
gnomAD v4.1: 96 of 1,612,326 alleles (0.006%); highest among the groups gnomAD compares: African/African-American, 0.011%; no homozygotes.

Submissions (3):

Ambry Genetics
Classification: Uncertain significance for Inborn genetic diseases. Last evaluated: 2025-06-07. Review status: criteria provided, single submitter. Criteria: Ambry Variant Classification Scheme 2023. Collection method: clinical testing. Allele origin: germline.

Blueprint Genetics
Classification: Uncertain significance. Last evaluated: 2024-02-12. Review status: criteria provided, single submitter. Criteria: ACMG Guidelines, 2015. Collection method: clinical testing. Allele origin: germline.

Labcorp Genetics (formerly Invitae), Labcorp
Classification: Uncertain significance for Peroxisome biogenesis disorder. Last evaluated: 2022-09-27. Review status: criteria provided, single submitter. Criteria: Invitae Variant Classification Sherloc (09022015). Collection method: clinical testing. Allele origin: germline.
Comment: This sequence change replaces arginine, which is basic and polar, with tryptophan, which is neutral and slightly polar, at codon 626 of the PEX6 protein (p.Arg626Trp). This variant is present in population databases (rs374278186, gnomAD 0.007%). This variant has not been reported in the literature in individuals affected with PEX6-related conditions. ClinVar contains an entry for this variant (Variation ID: 1496142). Advanced modeling of protein sequence and biophysical properties (such as structural, functional, and spatial information, amino acid conservation, physicochemical variation, residue mobility, and thermodynamic stability) performed at Invitae indicates that this missense variant is not expected to disrupt PEX6 protein function. In summary, the available evidence is currently insufficient to determine the role of this variant in disease. Therefore, it has been classified as a Variant of Uncertain Significance.